The following is an entry in ClinVar:

NM_001044370.2(MPPED1):c.601G>A (p.Val201Met)

Gene: MPPED1 (metallophosphoesterase domain containing 1; plus strand). Cytogenetic location: 22q13.2.
Variant type: single nucleotide variant.
Coding change: c.601G>A on transcript NM_001044370.2 (MANE Select); coding-DNA position 601, G replaced by A.
Protein change: p.Val201Met; replaces valine 201 with methionine.
Molecular consequence: missense variant.
Genome position (GRCh38, 1-based): chr22:43,474,930, G>A. VCF-style: chr22-43474930-G-A. GRCh37 (hg19) VCF-style: chr22-43870810-G-A.
Other names: c.601G>A, p.Val201Met (NM_001362786.2, NM_001585.2); short protein forms V201M.
Identifiers: ClinVar variation 3203139 (VCV003203139.1), dbSNP rs200099326, ClinGen allele CA10275227.
Genomic context (GRCh38, chr22:43,474,930, plus strand): 5'-TATGAGAATGTGCAGTCGCTGCTGACCAACTGCATCTACCTTCAGGACTCGGAGGTCACC[G>A]TGCGGGGCTTCCGGATCTATGGCTCCCCATGGTGAGTGGGCCTGGGTGCTGGTCCTGCCT-3'
Protein context (NP_001037835.1, residues 191-211): CIYLQDSEVT[Val201Met]RGFRIYGSPW

ClinVar aggregate classification (germline): Uncertain significance (1 of 4 stars; one submission).

Allele frequency attached by ClinVar (database versions not stated): 1000 Genomes Project 30x 0.00016.
gnomAD v4.1: 62 of 1,613,982 alleles (0.0038%); highest among the groups gnomAD compares: Admixed American, 0.015%; no homozygotes.

Submission:

Ambry Genetics
Classification: Uncertain significance. Last evaluated: 2024-01-02. Review status: criteria provided, single submitter. Criteria: Ambry Variant Classification Scheme 2023. Collection method: clinical testing. Allele origin: germline.
Comment: The c.601G>A (p.V201M) alteration is located in exon (coding exon ) of the MPPED1 gene. This alteration results from a G to A substitution at nucleotide position 601, causing the valine (V) at amino acid position 201 to be replaced by a methionine (M). Based on insufficient or conflicting evidence, the clinical significance of this alteration remains unclear.